The following is an entry in ClinVar:

NM_001387430.1(SH2B1):c.72T>A (p.Pro24=)

Gene: SH2B1 (SH2B adaptor protein 1; plus strand). Cytogenetic location: 16p11.2.
Variant type: single nucleotide variant.
Coding change: c.72T>A on transcript NM_001387430.1 (MANE Select); coding-DNA position 72, T replaced by A.
Protein change: p.Pro24=; no amino-acid change (proline 24 retained).
Molecular consequence: synonymous variant. On other transcripts: intron variant (1).
Genome position (GRCh38, 1-based): chr16:28,866,166, T>A. VCF-style: chr16-28866166-T-A. GRCh37 (hg19) VCF-style: chr16-28877487-T-A.
Other names: c.72T>A, p.Pro24= (NM_001145795.2, NM_001145796.2, NM_001145797.2 and 4 more transcripts); c.-26-1208T>A (NM_001308294.2).
Identifiers: ClinVar variation 3351989 (VCV003351989.1).

ClinVar aggregate classification (germline): Likely benign (0 of 4 stars; one submission).

Conditions:
SH2B1-related disorder. Also called: SH2B1-related condition.

Submission:

PreventionGenetics, part of Exact Sciences
Classification: Likely benign for SH2B1-related condition. Last evaluated: 2021-01-11. Review status: no assertion criteria provided. Collection method: clinical testing. Allele origin: germline.
Comment: This variant is classified as likely benign based on ACMG/AMP sequence variant interpretation guidelines (Richards et al. 2015 PMID: 25741868, with internal and published modifications).